The following is an entry in ClinVar:

ClinVar aggregate classification (germline): Uncertain significance. Review status: criteria provided, multiple submitters, no conflicts (2 of 4 stars). 2 submissions from 2 submitters: Uncertain significance (2). Last evaluated 2022-08-09.

Conditions:
Cardiovascular phenotype. Identifiers: MedGen CN230736.
DiGeorge syndrome. Also called: Catch22; THIRD AND FOURTH PHARYNGEAL POUCH SYNDROME. Identifiers: Orphanet 567, MedGen C0012236, MONDO:0008564, OMIM 188400.

Allele frequency attached by ClinVar (database versions not stated): gnomAD exomes below 0.00001.
gnomAD v4.1: 2 of 1,543,220 alleles (0.00013%); highest among the groups gnomAD compares: Admixed American, 0.0018%; no homozygotes.

Submissions (2):

Labcorp Genetics (formerly Invitae), Labcorp
Classification: Uncertain significance for DiGeorge syndrome. Last evaluated: 2022-08-09. Review status: criteria provided, single submitter. Criteria: Invitae Variant Classification Sherloc (09022015). Collection method: clinical testing. Allele origin: germline.
Comment: This sequence change replaces tyrosine, which is neutral and polar, with histidine, which is basic and polar, at codon 416 of the TBX1 protein (p.Tyr416His). The frequency data for this variant in the population databases is considered unreliable, as metrics indicate poor data quality at this position in the gnomAD database. This variant has not been reported in the literature in individuals affected with TBX1-related conditions. ClinVar contains an entry for this variant (Variation ID: 1042720). Algorithms developed to predict the effect of missense changes on protein structure and function are either unavailable or do not agree on the potential impact of this missense change (SIFT: "Deleterious"; PolyPhen-2: "Probably Damaging"; Align-GVGD: "Class C0"). In summary, the available evidence is currently insufficient to determine the role of this variant in disease. Therefore, it has been classified as a Variant of Uncertain Significance.

Ambry Genetics
Classification: Uncertain significance for Cardiovascular phenotype. Last evaluated: 2021-11-29. Review status: criteria provided, single submitter. Criteria: Ambry Variant Classification Scheme 2023. Collection method: clinical testing. Allele origin: germline.
Comment: The p.Y416H variant (also known as c.1246T>C), located in coding exon 8 of the TBX1 gene, results from a T to C substitution at nucleotide position 1246. The tyrosine at codon 416 is replaced by histidine, an amino acid with similar properties. This amino acid position is conserved. In addition, the in silico prediction for this alteration is inconclusive. Since supporting evidence is limited at this time, the clinical significance of this alteration remains unclear.

NM_001379200.1(TBX1):c.1273T>C (p.Tyr425His)

Gene: TBX1 (T-box transcription factor 1; plus strand). Cytogenetic location: 22q11.21.
Variant type: single nucleotide variant.
Coding change: c.1273T>C on transcript NM_001379200.1 (MANE Select); coding-DNA position 1273, T replaced by C.
Protein change: p.Tyr425His; replaces tyrosine 425 with histidine.
Molecular consequence: missense variant. On other transcripts: intron variant (2).
Genome position (GRCh38, 1-based): chr22:19,766,625, T>C. VCF-style: chr22-19766625-T-C. GRCh37 (hg19) VCF-style: chr22-19754148-T-C.
Other names: c.1246T>C, p.Tyr416His (NM_080647.1); c.1009+623T>C (NM_005992.1, NM_080646.2); short protein forms Y425H, Y416H.
Identifiers: ClinVar variation 1042720 (VCV001042720.7), dbSNP rs1243986502, ClinGen allele CA410684777.